The following is an entry in ClinVar:

ClinVar aggregate classification (germline): Uncertain significance. Review status: criteria provided, multiple submitters, no conflicts (2 of 4 stars). 2 submissions from 2 submitters: Uncertain significance (2). Last evaluated 2024-12-26.

Conditions:
Inborn genetic diseases. Identifiers: MedGen C0950123, MeSH D030342.

gnomAD v4.1: 12 of 1,613,456 alleles (0.00074%); highest among the groups gnomAD compares: South Asian, 0.012%; no homozygotes.

Submissions (2):

GeneDx
Classification: Uncertain significance. Last evaluated: 2024-12-26. Review status: criteria provided, single submitter. Criteria: GeneDx Variant Classification Process June 2021. Collection method: clinical testing. Allele origin: germline. Affected: yes.
Comment: Not observed at significant frequency in large population cohorts (gnomAD); In silico analysis supports that this missense variant has a deleterious effect on protein structure/function; Has not been previously published as pathogenic or benign to our knowledge

Ambry Genetics
Classification: Uncertain significance for Inborn genetic diseases. Last evaluated: 2024-11-20. Review status: criteria provided, single submitter. Criteria: Ambry Variant Classification Scheme 2023. Collection method: clinical testing. Allele origin: germline.

NM_001379081.2(FREM1):c.4261G>A (p.Asp1421Asn)

Gene: FREM1 (FRAS1 related extracellular matrix 1; minus strand). Cytogenetic location: 9p22.3.
Variant type: single nucleotide variant.
Coding change: c.4261G>A on transcript NM_001379081.2 (MANE Select); coding-DNA position 4261, G replaced by A.
Protein change: p.Asp1421Asn; replaces aspartic acid 1421 with asparagine.
Molecular consequence: missense variant. On other transcripts: non-coding transcript variant (1).
Genome position (GRCh38, 1-based): chr9:14,784,551, C>T on the plus strand (G>A on the coding strand, the complement: FREM1 is on the minus strand). VCF-style: chr9-14784551-C-T. GRCh37 (hg19) VCF-style: chr9-14784549-C-T.
Other names: c.4261G>A, p.Asp1421Asn (NM_144966.7); short protein forms D1421N.
Identifiers: ClinVar variation 3517086 (VCV003517086.2).